The following is an entry in ClinVar:

ClinVar aggregate classification (germline): Uncertain significance (1 of 4 stars; one submission).

Conditions:
Cardiovascular phenotype. Identifiers: MedGen CN230736.

Submission:

Ambry Genetics
Classification: Uncertain significance for Cardiovascular phenotype. Last evaluated: 2025-01-04. Review status: criteria provided, single submitter. Criteria: Ambry Variant Classification Scheme 2023. Collection method: clinical testing. Allele origin: germline.
Comment: The p.S1029G variant (also known as c.3085A>G), located in coding exon 14 of the MYPN gene, results from an A to G substitution at nucleotide position 3085. The serine at codon 1029 is replaced by glycine, an amino acid with similar properties. This amino acid position is conserved. In addition, the in silico prediction for this alteration is inconclusive. Based on the available evidence, the clinical significance of this variant remains unclear.

NM_032578.4(MYPN):c.3085A>G (p.Ser1029Gly)

Gene: MYPN (myopalladin; plus strand). Cytogenetic location: 10q21.3.
Variant type: single nucleotide variant.
Coding change: c.3085A>G on transcript NM_032578.4 (MANE Select); coding-DNA position 3085, A replaced by G.
Protein change: p.Ser1029Gly; replaces serine 1029 with glycine.
Molecular consequence: missense variant. On other transcripts: non-coding transcript variant (2).
Genome position (GRCh38, 1-based): chr10:68,195,459, A>G. VCF-style: chr10-68195459-A-G. GRCh37 (hg19) VCF-style: chr10-69955216-A-G.
Other names: c.3085A>G, p.Ser1029Gly (NM_001256267.2); c.2203A>G, p.Ser735Gly (NM_001256268.2); short protein forms S1029G, S735G.
Identifiers: ClinVar variation 3877250 (VCV003877250.1).